The following is an entry in ClinVar:

ClinVar aggregate classification (germline): Uncertain significance (1 of 4 stars; one submission).

Conditions:
Renal cell carcinoma. Identifiers: Orphanet 217071, MedGen C0007134, MeSH D002292, MONDO:0005086, HP:0005584.

Allele frequency attached by ClinVar (database versions not stated): gnomAD exomes below 0.00001.
gnomAD v4.1: 1 of 1,614,220 alleles (0.000062%); highest among the groups gnomAD compares: Non-Finnish European, 0.000085%; no homozygotes.

Submission:

Labcorp Genetics (formerly Invitae), Labcorp
Classification: Uncertain significance for Renal cell carcinoma. Last evaluated: 2018-02-28. Review status: criteria provided, single submitter. Criteria: Invitae Variant Classification Sherloc (09022015). Collection method: clinical testing. Allele origin: germline.
Comment: This sequence change affects a donor splice site in the last intron (intron 20) of the MET gene. While this is not anticipated to result in nonsense mediated decay, it likely alters RNA splicing and results in a disrupted protein product. This variant is not present in population databases (ExAC no frequency). This variant has not been reported in the literature in individuals with MET-related disease. Nucleotide substitutions within the consensus splice site are a relatively common cause of aberrant splicing (PMID: 17576681, 9536098). Algorithms developed to predict the effect of sequence changes on RNA splicing suggest that this variant may disrupt the consensus splice site, but this prediction has not been confirmed by published transcriptional studies. In summary, the available evidence is currently insufficient to determine the role of this variant in disease. Therefore, it has been classified as a Variant of Uncertain Significance.

Literature cited by the submitters: PubMed 17576681; PubMed 9536098.

NM_000245.4(MET):c.3935+2T>A

Gene: MET (MET proto-oncogene, receptor tyrosine kinase; plus strand). Cytogenetic location: 7q31.2.
Variant type: single nucleotide variant.
Coding change: c.3935+2T>A on transcript NM_000245.4 (MANE Select); the canonical splice donor site of the intron after coding-DNA position 3935, T replaced by A.
Molecular consequence: splice donor variant.
Genome position (GRCh38, 1-based): chr7:116,795,793, T>A. VCF-style: chr7-116795793-T-A. GRCh37 (hg19) VCF-style: chr7-116435847-T-A.
Other names: c.3989+2T>A (NM_001127500.3); c.2645+2T>A (NM_001324402.2).
Identifiers: ClinVar variation 566628 (VCV000566628.8), dbSNP rs1562941469, ClinGen allele CA369118029.